The following is an entry in ClinVar:

NM_005228.5(EGFR):c.676A>C (p.Lys226Gln)

Gene: EGFR (epidermal growth factor receptor; plus strand). Cytogenetic location: 7p11.2.
Variant type: single nucleotide variant.
Coding change: c.676A>C on transcript NM_005228.5 (MANE Select); coding-DNA position 676, A replaced by C.
Protein change: p.Lys226Gln; replaces lysine 226 with glutamine.
Molecular consequence: missense variant. On other transcripts: intron variant (1).
Genome position (GRCh38, 1-based): chr7:55,152,593, A>C. VCF-style: chr7-55152593-A-C. GRCh37 (hg19) VCF-style: chr7-55220286-A-C.
Other names: c.541A>C, p.Lys181Gln (NM_001346897.2, NM_001346899.2); c.676A>C, p.Lys226Gln (NM_001346898.2, NM_201282.2, NM_201283.2 and 1 more transcripts); c.517A>C, p.Lys173Gln (NM_001346900.2); c.89-3237A>C (NM_001346941.2); c.676A>C (NM_005228.3); short protein forms K173Q, K181Q, K226Q.
Identifiers: ClinVar variation 1481031 (VCV001481031.10), dbSNP rs2128933753, ClinGen allele CA367577414.

ClinVar aggregate classification (germline): Uncertain significance. Review status: criteria provided, multiple submitters, no conflicts (2 of 4 stars). 3 submissions from 3 submitters: Uncertain significance (3). Last evaluated 2026-01-15.

Conditions:
Inflammatory skin and bowel disease, neonatal, 2 (NNCIS). Identifiers: Orphanet 294023, MedGen C4015130, MONDO:0014481, OMIM 616069.
Lung cancer. Also called: Lung cancer, somatic; Malignant tumor of lung. Identifiers: MedGen C0242379, MONDO:0008903, OMIM 211980.
Hereditary cancer-predisposing syndrome. Also called: Tumor predisposition; Hereditary Cancer Syndrome; Hereditary neoplastic syndrome; Neoplastic Syndromes, Hereditary. Identifiers: Orphanet 140162, MedGen C0027672, MeSH D009386, MONDO:0015356.
EGFR-related lung cancer (EGFR). Identifiers: MedGen CN130014.

Submissions (3):

Labcorp Genetics (formerly Invitae), Labcorp
Classification: Uncertain significance for EGFR-related lung cancer. Last evaluated: 2026-01-15. Review status: criteria provided, single submitter. Criteria: Invitae Variant Classification Sherloc (09022015). Collection method: clinical testing. Allele origin: germline.
Comment: This sequence change replaces lysine, which is basic and polar, with glutamine, which is neutral and polar, at codon 226 of the EGFR protein (p.Lys226Gln). This variant is not present in population databases (gnomAD no frequency). This variant has not been reported in the literature in individuals affected with EGFR-related conditions. ClinVar contains an entry for this variant (Variation ID: 1481031). Invitae Evidence Modeling of protein sequence and biophysical properties (such as structural, functional, and spatial information, amino acid conservation, physicochemical variation, residue mobility, and thermodynamic stability) indicates that this missense variant is not expected to disrupt EGFR protein function with a negative predictive value of 80%. In summary, the available evidence is currently insufficient to determine the role of this variant in disease. Therefore, it has been classified as a Variant of Uncertain Significance.

Ambry Genetics
Classification: Uncertain significance for Hereditary cancer-predisposing syndrome. Last evaluated: 2025-10-03. Review status: criteria provided, single submitter. Criteria: Ambry Variant Classification Scheme 2023. Collection method: clinical testing. Allele origin: germline.
Comment: The p.K226Q variant (also known as c.676A>C), located in coding exon 6 of the EGFR gene, results from an A to C substitution at nucleotide position 676. The lysine at codon 226 is replaced by glutamine, an amino acid with similar properties. This amino acid position is conserved. In addition, this alteration is predicted to be tolerated by in silico analysis. Based on the available evidence, the clinical significance of this variant remains unclear.

Fulgent Genetics
Classification: Uncertain significance for Lung cancer; Inflammatory skin and bowel disease, neonatal, 2. Last evaluated: 2021-09-10. Review status: criteria provided, single submitter. Criteria: ACMG Guidelines, 2015. Collection method: clinical testing. Allele origin: unknown.